The following is an entry in ClinVar:

NM_000059.4(BRCA2):c.3447del (p.Met1149fs)

Gene: BRCA2 (BRCA2 DNA repair associated; plus strand). Cytogenetic location: 13q13.1.
Variant type: Deletion.
Coding change: c.3447del on transcript NM_000059.4 (MANE Select); coding-DNA position 3447, one base deleted (G; older notation c.3447delG).
Protein change: p.Met1149fs; shifts the reading frame from methionine 1149.
Molecular consequence: frameshift variant.
Genome position (GRCh38, 1-based): chr13:32,337,802, G deleted. VCF-style (leftmost placement, unchanged base first): chr13-32337801-TG-T. GRCh37 (hg19) VCF-style: chr13-32911938-TG-T.
Other names: c.3447delG, p.Met1149Ilefs (NM_001406719.1, NM_001406720.1); short protein forms M1149fs.
Identifiers: ClinVar variation 1731518 (VCV001731518.2), dbSNP rs2548525977, ClinGen allele CA2580087076.

ClinVar aggregate classification (germline): Pathogenic (1 of 4 stars; one submission).

Conditions:
Hereditary cancer-predisposing syndrome. Also called: Neoplastic Syndromes, Hereditary; Tumor predisposition; Hereditary Cancer Syndrome; Hereditary neoplastic syndrome. Identifiers: Orphanet 140162, MedGen C0027672, MeSH D009386, MONDO:0015356.

Submission:

Ambry Genetics
Classification: Pathogenic for Hereditary cancer-predisposing syndrome. Last evaluated: 2021-08-12. Review status: criteria provided, single submitter. Criteria: Ambry Variant Classification Scheme 2023. Collection method: clinical testing. Allele origin: germline.
Comment: The c.3447delG pathogenic mutation, located in coding exon 10 of the BRCA2 gene, results from a deletion of one nucleotide at nucleotide position 3447, causing a translational frameshift with a predicted alternate stop codon (p.M1149Ifs*4). This variant is considered to be rare based on population cohorts in the Genome Aggregation Database (gnomAD). This alteration is expected to result in loss of function by premature protein truncation or nonsense-mediated mRNA decay. As such, this alteration is interpreted as a disease-causing mutation.